The following is an entry in ClinVar:

ClinVar aggregate classification (germline): Uncertain significance (1 of 4 stars; one submission).

Submission:

Labcorp Genetics (formerly Invitae), Labcorp
Classification: Uncertain significance. Last evaluated: 2023-08-07. Review status: criteria provided, single submitter. Criteria: Invitae Variant Classification Sherloc (09022015). Collection method: clinical testing. Allele origin: germline.
Comment: This sequence change replaces leucine, which is neutral and non-polar, with phenylalanine, which is neutral and non-polar, at codon 1637 of the MTOR protein (p.Leu1637Phe). This variant is not present in population databases (gnomAD no frequency). This variant has not been reported in the literature in individuals affected with MTOR-related conditions. Advanced modeling of protein sequence and biophysical properties (such as structural, functional, and spatial information, amino acid conservation, physicochemical variation, residue mobility, and thermodynamic stability) performed at Invitae indicates that this missense variant is not expected to disrupt MTOR protein function. In summary, the available evidence is currently insufficient to determine the role of this variant in disease. Therefore, it has been classified as a Variant of Uncertain Significance.

NM_004958.4(MTOR):c.4909C>T (p.Leu1637Phe)

Gene: MTOR (mechanistic target of rapamycin kinase; minus strand). Cytogenetic location: 1p36.22.
Variant type: single nucleotide variant.
Coding change: c.4909C>T on transcript NM_004958.4 (MANE Select); coding-DNA position 4909, C replaced by T.
Protein change: p.Leu1637Phe; replaces leucine 1637 with phenylalanine.
Molecular consequence: missense variant.
Genome position (GRCh38, 1-based): chr1:11,139,622, G>A on the plus strand (C>T on the coding strand, the complement: MTOR is on the minus strand). VCF-style: chr1-11139622-G-A. GRCh37 (hg19) VCF-style: chr1-11199679-G-A.
Other names: c.4909C>T, p.Leu1637Phe (NM_001386500.1); c.3661C>T, p.Leu1221Phe (NM_001386501.1); short protein forms L1637F, L1221F.
Identifiers: ClinVar variation 2751070 (VCV002751070.3), dbSNP rs2100479202, ClinGen allele CA338402421.